The following is an entry in ClinVar:

NM_002181.4(IHH):c.631C>T (p.Arg211Cys)

Gene: IHH (Indian hedgehog signaling molecule; minus strand). Cytogenetic location: 2q35.
Variant type: single nucleotide variant.
Coding change: c.631C>T on transcript NM_002181.4 (MANE Select); coding-DNA position 631, C replaced by T.
Protein change: p.Arg211Cys; replaces arginine 211 with cysteine.
Molecular consequence: missense variant.
Genome position (GRCh38, 1-based): chr2:219,055,812, G>A on the plus strand (C>T on the coding strand, the complement: IHH is on the minus strand). VCF-style: chr2-219055812-G-A. GRCh37 (hg19) VCF-style: chr2-219920534-G-A.
Other names: c.631C>T (NM_002181.3); short protein forms R211C.
Identifiers: ClinVar variation 1037001 (VCV001037001.10), dbSNP rs3731880, ClinGen allele CA2116651.

ClinVar aggregate classification (germline): Uncertain significance. Review status: criteria provided, multiple submitters, no conflicts (2 of 4 stars). 2 submissions from 2 submitters: Uncertain significance (2). Last evaluated 2025-07-31.

Allele frequency attached by ClinVar (database versions not stated): gnomAD 0.00003; ExAC 0.00005; gnomAD exomes 0.00005; TOPMed 0.00007; ESP Exome Variant Server 0.00015.

Submissions (2):

Labcorp Genetics (formerly Invitae), Labcorp
Classification: Uncertain significance. Last evaluated: 2025-07-31. Review status: criteria provided, single submitter. Criteria: Invitae Variant Classification Sherloc (09022015). Collection method: clinical testing. Allele origin: germline.
Comment: This sequence change replaces arginine, which is basic and polar, with cysteine, which is neutral and slightly polar, at codon 211 of the IHH protein (p.Arg211Cys). This variant is present in population databases (rs3731880, gnomAD 0.04%). This variant has not been reported in the literature in individuals affected with IHH-related conditions. ClinVar contains an entry for this variant (Variation ID: 1037001). Invitae Evidence Modeling of protein sequence and biophysical properties (such as structural, functional, and spatial information, amino acid conservation, physicochemical variation, residue mobility, and thermodynamic stability) indicates that this missense variant is not expected to disrupt IHH protein function with a negative predictive value of 80%. In summary, the available evidence is currently insufficient to determine the role of this variant in disease. Therefore, it has been classified as a Variant of Uncertain Significance.

GeneDx
Classification: Uncertain significance. Last evaluated: 2025-07-01. Review status: criteria provided, single submitter. Criteria: GeneDx Variant Classification Process June 2021. Collection method: clinical testing. Allele origin: germline.
Comment: Reported in the homozygous state in a proband with a skeletal dysplasia, cardiac anomalies, and sensorineural hearing loss who also harbored a homozygous variant in the TTC12B gene and a heterozygous variant in the COL11A1 gene (Pratibha N et al. (2024) Mol Syndromol. DOI 10.1159/000542345); In silico analysis suggests that this missense variant does not alter protein structure/function; This variant is associated with the following publications: (PMID: Nair2024[article])